The following is an entry in ClinVar:

NM_000441.2(SLC26A4):c.283G>A (p.Gly95Arg)

Gene: SLC26A4 (solute carrier family 26 member 4; plus strand). Cytogenetic location: 7q22.3.
Variant type: single nucleotide variant.
Coding change: c.283G>A on transcript NM_000441.2 (MANE Select); coding-DNA position 283, G replaced by A.
Protein change: p.Gly95Arg; replaces glycine 95 with arginine.
Molecular consequence: missense variant.
Genome position (GRCh38, 1-based): chr7:107,663,414, G>A. VCF-style: chr7-107663414-G-A. GRCh37 (hg19) VCF-style: chr7-107303859-G-A.
Other names: short protein forms G95R.
Identifiers: ClinVar variation 43549 (VCV000043549.5), dbSNP rs111033398, ClinGen allele CA132719.
Genomic context (GRCh38, chr7:107,663,414, plus strand): 5'-CTCCCCAAATACCGAGTCAAGGAATGGCTGCTTAGTGACGTCATTTCGGGAGTTAGTACT[G>A]GGCTAGTGGCCACGCTGCAAGGTAAGATGTTGGCAGATTGAGAGTTCTGGTCTCCAGCAG-3'
Protein context (NP_000432.1, residues 85-105): LSDVISGVST[Gly95Arg]LVATLQGMAY

ClinVar aggregate classification (germline): Uncertain significance (1 of 4 stars; one submission).

Allele frequency attached by ClinVar (database versions not stated): TOPMed 0.00001 and 0.00002; gnomAD 0.00001.
gnomAD v4.1: 2 of 1,613,952 alleles (0.00012%); highest among the groups gnomAD compares: African/African-American, 0.0013%; no homozygotes.

Submission:

Laboratory for Molecular Medicine, Mass General Brigham Personalized Medicine
Classification: Uncertain significance. Last evaluated: 2011-01-07. Review status: criteria provided, single submitter. Criteria: LMM Criteria. Collection method: clinical testing. Allele origin: germline. Observed: 1 variant allele.
Comment: Variant classified as Uncertain Significance - Favor Pathogenic.